The following is an entry in ClinVar:

ClinVar aggregate classification (germline): Uncertain significance. Review status: criteria provided, multiple submitters, no conflicts (2 of 4 stars). 6 submissions from 5 submitters: Uncertain significance (6). Last evaluated 2025-09-17.

Conditions:
RASopathy. Also called: Noonan spectrum disorder; rasopathies. Identifiers: Orphanet 536391, MedGen C5555857, MONDO:0021060.
Noonan syndrome 4 (NS4). Also called: SOS1-Related Noonan Syndrome; NOONAN SYNDROME WITH PIGMENTED VILLONODULAR SYNOVITIS. Identifiers: Orphanet 648, MedGen C1853120, MONDO:0012547, OMIM 610733.
Cardiovascular phenotype. Identifiers: MedGen CN230736.
Fibromatosis, gingival, 1 (GINGF1). Identifiers: Orphanet 2024, MedGen C4551558, MONDO:0007609, OMIM 135300.

Allele frequency attached by ClinVar (database versions not stated): gnomAD exomes below 0.00001.
gnomAD v4.1: 2 of 1,613,564 alleles (0.00012%); highest among the groups gnomAD compares: Non-Finnish European, 0.00017%; no homozygotes.

Submissions (6):

Labcorp Genetics (formerly Invitae), Labcorp
Classification: Uncertain significance for RASopathy. Last evaluated: 2025-09-17. Review status: criteria provided, single submitter. Criteria: Invitae Variant Classification Sherloc (09022015). Collection method: clinical testing. Allele origin: germline.
Comment: This sequence change replaces asparagine, which is neutral and polar, with serine, which is neutral and polar, at codon 746 of the SOS1 protein (p.Asn746Ser). This variant is not present in population databases (gnomAD no frequency). This variant has not been reported in the literature in individuals affected with SOS1-related conditions. ClinVar contains an entry for this variant (Variation ID: 561864). Invitae Evidence Modeling of protein sequence and biophysical properties (such as structural, functional, and spatial information, amino acid conservation, physicochemical variation, residue mobility, and thermodynamic stability) indicates that this missense variant is not expected to disrupt SOS1 protein function with a negative predictive value of 95%. In summary, the available evidence is currently insufficient to determine the role of this variant in disease. Therefore, it has been classified as a Variant of Uncertain Significance.

Women's Health and Genetics/Laboratory Corporation of America, LabCorp
Classification: Uncertain significance. Last evaluated: 2024-12-27. Review status: criteria provided, single submitter. Criteria: LabCorp Variant Classification Summary - May 2015. Collection method: clinical testing. Allele origin: germline.

Ambry Genetics
Classification: Uncertain significance for Cardiovascular phenotype. Last evaluated: 2024-01-22. Review status: criteria provided, single submitter. Criteria: Ambry Variant Classification Scheme 2023. Collection method: clinical testing. Allele origin: germline.
Comment: The p.N746S variant (also known as c.2237A>G), located in coding exon 14 of the SOS1 gene, results from an A to G substitution at nucleotide position 2237. The asparagine at codon 746 is replaced by serine, an amino acid with highly similar properties. This amino acid position is conserved. In addition, this alteration is predicted to be tolerated by in silico analysis. Based on the available evidence, the clinical significance of this alteration remains unclear.

GeneDx
Classification: Uncertain significance. Last evaluated: 2018-06-08. Review status: criteria provided, single submitter. Criteria: GeneDx Variant Classification (06012015). Collection method: clinical testing. Allele origin: germline. Affected: yes.
Comment: The V524M variant has not been published as pathogenic or been reported as benign to our knowledge. This variant has not been observed in large population cohorts (Lek et al., 2016). However, the V524M variant is a conservative amino acid substitution, and in-silico analyses, including protein predictors and evolutionary conservation, support that this variant does not alter protein structure/function. Additional evidence is needed to clarify pathogenicity, including observation in additional individuals, segregation data, and functional evidence.

Genome-Nilou Lab
Classification: Uncertain significance for Noonan syndrome 4. Review status: criteria provided, single submitter. Criteria: ACMG Guidelines, 2015. Collection method: clinical testing. Allele origin: germline.

Genome-Nilou Lab
Classification: Uncertain significance for Fibromatosis, gingival, 1. Review status: criteria provided, single submitter. Criteria: ACMG Guidelines, 2015. Collection method: clinical testing. Allele origin: germline.

NM_005633.4(SOS1):c.2237A>G (p.Asn746Ser)

Gene: SOS1 (SOS Ras/Rac guanine nucleotide exchange factor 1; minus strand). Cytogenetic location: 2p22.1.
Variant type: single nucleotide variant.
Coding change: c.2237A>G on transcript NM_005633.4 (MANE Select); coding-DNA position 2237, A replaced by G.
Protein change: p.Asn746Ser; replaces asparagine 746 with serine.
Molecular consequence: missense variant.
Genome position (GRCh38, 1-based): chr2:39,012,279, T>C on the plus strand (A>G on the coding strand, the complement: SOS1 is on the minus strand). VCF-style: chr2-39012279-T-C. GRCh37 (hg19) VCF-style: chr2-39239420-T-C.
Other names: c.2216A>G, p.Asn739Ser (NM_001382394.1); c.2237A>G, p.Asn746Ser (NM_001382395.1); short protein forms N746S, N739S.
Identifiers: ClinVar variation 561864 (VCV000561864.13), dbSNP rs975491573, ClinGen allele CA45660552.